The following is an entry in ClinVar:

NM_000388.4(CASR):c.1348G>A (p.Ala450Thr)

Gene: CASR (calcium sensing receptor; plus strand). Cytogenetic location: 3q21.1.
Variant type: single nucleotide variant.
Coding change: c.1348G>A on transcript NM_000388.4 (MANE Select); coding-DNA position 1348, G replaced by A.
Protein change: p.Ala450Thr; replaces alanine 450 with threonine.
Molecular consequence: missense variant.
Genome position (GRCh38, 1-based): chr3:122,262,383, G>A. VCF-style: chr3-122262383-G-A. GRCh37 (hg19) VCF-style: chr3-121981230-G-A.
Other names: c.1348G>A, p.Ala450Thr (NM_001178065.2); short protein forms A450T.
Identifiers: ClinVar variation 1770527 (VCV001770527.2), dbSNP rs2473229289, ClinGen allele CA354153254.

ClinVar aggregate classification (germline): Uncertain significance (1 of 4 stars; one submission).

Conditions:
Nephrolithiasis/nephrocalcinosis. Identifiers: MedGen CN580796.

Submission:

Ambry Genetics
Classification: Uncertain significance for Nephrolithiasis/nephrocalcinosis. Last evaluated: 2021-08-21. Review status: criteria provided, single submitter. Criteria: Ambry Variant Classification Scheme 2023. Collection method: clinical testing. Allele origin: germline.
Comment: The p.A450T variant (also known as c.1348G>A), located in coding exon 3 of the CASR gene, results from a G to A substitution at nucleotide position 1348. The alanine at codon 450 is replaced by threonine, an amino acid with similar properties. This amino acid position is conserved. In addition, the in silico prediction for this alteration is inconclusive. Since supporting evidence is limited at this time, the clinical significance of this alteration remains unclear.